The following is an entry in ClinVar:

NM_144585.4(SLC22A12):c.564G>A (p.Thr188=)

Gene: SLC22A12 (solute carrier family 22 member 12; plus strand). Cytogenetic location: 11q13.1.
Variant type: single nucleotide variant.
Coding change: c.564G>A on transcript NM_144585.4 (MANE Select); coding-DNA position 564, G replaced by A.
Protein change: p.Thr188=; no amino-acid change (threonine 188 retained).
Molecular consequence: synonymous variant. On other transcripts: intron variant (3).
Genome position (GRCh38, 1-based): chr11:64,593,462, G>A. VCF-style: chr11-64593462-G-A. GRCh37 (hg19) VCF-style: chr11-64360934-G-A.
Other names: c.559+5G>A (NM_001276326.2); c.506+580G>A (NM_001276327.2); c.-2-173G>A (NM_153378.3).
Identifiers: ClinVar variation 305234 (VCV000305234.9), dbSNP rs200050310, ClinGen allele CA6077112.

ClinVar aggregate classification (germline): Conflicting classifications of pathogenicity. Review status: criteria provided, conflicting classifications (1 of 4 stars). 4 submissions from 4 submitters: Uncertain significance (3); Likely benign (1). Last evaluated 2026-02-16.

Conditions:
SLC22A12-related disorder. Also called: SLC22A12-related condition.
Dalmatian hypouricemia (RHUC1). Identifiers: MedGen C0473219, MONDO:0020728, OMIM 220150.

Allele frequency attached by ClinVar (database versions not stated): gnomAD 0.00004 and 0.00005; gnomAD exomes 0.00005 and 0.00016; TOPMed 0.00006; ExAC 0.00010; 1000 Genomes Project 0.00020; 1000 Genomes Project 30x 0.00031.
gnomAD v4.1: 83 of 1,614,100 alleles (0.0051%); highest among the groups gnomAD compares: East Asian, 0.096%; no homozygotes.

Submissions (4):

PreventionGenetics, part of Exact Sciences
Classification: Uncertain significance for SLC22A12-related condition. Last evaluated: 2026-02-16. Review status: criteria provided, single submitter. Criteria: ACMG Guidelines, 2015. Collection method: clinical testing. Allele origin: germline.
Comment: The SLC22A12 c.564G>A variant is not predicted to result in an amino acid change (p.=). In a different transcript (NM_001276326, designated c.559+5G>A), this variant is predicted to impact splicing (SpliceAI, Jaganathan et al. 2019. PubMed ID: 30661751). To our knowledge, this variant has not been reported in the literature. This variant is reported in 0.19% of alleles in individuals of East Asian descent in gnomAD. Although we suspect that this variant may be benign, at this time, the clinical significance of this variant is uncertain due to the absence of conclusive functional and genetic evidence.

Labcorp Genetics (formerly Invitae), Labcorp
Classification: Likely benign. Last evaluated: 2024-10-05. Review status: criteria provided, single submitter. Criteria: Invitae Variant Classification Sherloc (09022015). Collection method: clinical testing. Allele origin: germline.

Fulgent Genetics
Classification: Uncertain significance for Dalmatian hypouricemia. Last evaluated: 2024-06-10. Review status: criteria provided, single submitter. Criteria: ACMG Guidelines, 2015. Collection method: clinical testing. Allele origin: germline.

Illumina Laboratory Services, Illumina
Classification: Uncertain significance for Dalmatian hypouricemia. Last evaluated: 2018-01-12. Review status: criteria provided, single submitter. Criteria: ICSL Variant Classification Criteria 13 December 2019. Collection method: clinical testing. Allele origin: germline.